The following is an entry in ClinVar:

NM_005228.5(EGFR):c.1758T>G (p.Ile586Met)

Gene: EGFR (epidermal growth factor receptor; plus strand). Cytogenetic location: 7p11.2.
Variant type: single nucleotide variant.
Coding change: c.1758T>G on transcript NM_005228.5 (MANE Select); coding-DNA position 1758, T replaced by G.
Protein change: p.Ile586Met; replaces isoleucine 586 with methionine.
Molecular consequence: missense variant.
Genome position (GRCh38, 1-based): chr7:55,165,315, T>G. VCF-style: chr7-55165315-T-G. GRCh37 (hg19) VCF-style: chr7-55233008-T-G.
Other names: c.1623T>G, p.Ile541Met (NM_001346897.2, NM_001346899.2); c.1758T>G, p.Ile586Met (NM_001346898.2, NM_201282.2, NM_201284.2); c.1599T>G, p.Ile533Met (NM_001346900.2); c.957T>G, p.Ile319Met (NM_001346941.2); c.1758T>G (NM_005228.3); short protein forms I586M, I541M, I319M, I533M.
Identifiers: ClinVar variation 1357341 (VCV001357341.9), dbSNP rs1281578598, ClinGen allele CA367580705.

ClinVar aggregate classification (germline): Uncertain significance. Review status: criteria provided, multiple submitters, no conflicts (2 of 4 stars). 2 submissions from 2 submitters: Uncertain significance (2). Last evaluated 2024-12-07.

Conditions:
Hereditary cancer-predisposing syndrome. Also called: Tumor predisposition; Hereditary neoplastic syndrome; Neoplastic Syndromes, Hereditary; Hereditary Cancer Syndrome. Identifiers: Orphanet 140162, MedGen C0027672, MeSH D009386, MONDO:0015356.
EGFR-related lung cancer (EGFR). Identifiers: MedGen CN130014.

Allele frequency attached by ClinVar (database versions not stated): gnomAD exomes below 0.00001.
gnomAD v4.1: 1 of 1,614,164 alleles (0.000062%); highest among the groups gnomAD compares: African/African-American, 0.0013%; no homozygotes.

Submissions (2):

Ambry Genetics
Classification: Uncertain significance for Hereditary cancer-predisposing syndrome. Last evaluated: 2024-12-07. Review status: criteria provided, single submitter. Criteria: Ambry Variant Classification Scheme 2023. Collection method: clinical testing. Allele origin: germline.
Comment: The p.I586M variant (also known as c.1758T>G), located in coding exon 15 of the EGFR gene, results from a T to G substitution at nucleotide position 1758. The isoleucine at codon 586 is replaced by methionine, an amino acid with highly similar properties. This amino acid position is conserved. In addition, this alteration is predicted to be tolerated by in silico analysis. Based on the available evidence, the clinical significance of this variant remains unclear.

Labcorp Genetics (formerly Invitae), Labcorp
Classification: Uncertain significance for EGFR-related lung cancer. Last evaluated: 2021-01-30. Review status: criteria provided, single submitter. Criteria: Invitae Variant Classification Sherloc (09022015). Collection method: clinical testing. Allele origin: germline.
Comment: In summary, the available evidence is currently insufficient to determine the role of this variant in disease. Therefore, it has been classified as a Variant of Uncertain Significance. Algorithms developed to predict the effect of missense changes on protein structure and function (SIFT, PolyPhen-2, Align-GVGD) all suggest that this variant is likely to be tolerated, but these predictions have not been confirmed by published functional studies and their clinical significance is uncertain. This variant has not been reported in the literature in individuals with EGFR-related conditions. This variant is not present in population databases (ExAC no frequency). This sequence change replaces isoleucine with methionine at codon 586 of the EGFR protein (p.Ile586Met). The isoleucine residue is weakly conserved and there is a small physicochemical difference between isoleucine and methionine.